The following is an entry in ClinVar:

ClinVar aggregate classification (germline): Pathogenic/Likely pathogenic. Review status: criteria provided, multiple submitters, no conflicts (2 of 4 stars). 2 submissions from 2 submitters: Pathogenic (1); Likely pathogenic (1). Last evaluated 2024-02-01.

Conditions:
Long QT syndrome 1 (LQT1). Identifiers: Orphanet 101016, Orphanet 768, MedGen C4551647, MONDO:0100316, OMIM 192500, MONDO:0008646.

Submissions (2):

CeGaT Center for Human Genetics Tuebingen
Classification: Pathogenic. Last evaluated: 2024-02-01. Review status: criteria provided, single submitter. Criteria: CeGaT Center For Human Genetics Tuebingen Variant Classification Criteria Version 2. Collection method: clinical testing. Allele origin: germline. Affected: yes. Observed: 1 variant allele.
Comment: KCNQ1: PVS1, PM2

Institute of Human Genetics, University of Leipzig Medical Center
Classification: Likely pathogenic for Long QT syndrome 1. Last evaluated: 2020-08-27. Review status: criteria provided, single submitter. Criteria: ACMG Guidelines, 2015. Collection method: clinical testing. Allele origin: unknown.

NM_000218.3(KCNQ1):c.552del (p.Lys183_Tyr184insTer)

Gene: KCNQ1 (potassium voltage-gated channel subfamily Q member 1; plus strand). Cytogenetic location: 11p15.5.
Variant type: Deletion.
Coding change: c.552del on transcript NM_000218.3 (MANE Select); coding-DNA position 552, one base deleted (C; older notation c.552delC).
Protein change: p.Lys183_Tyr184insTer.
Molecular consequence: nonsense. On other transcripts: frameshift variant (4).
Genome position (GRCh38, 1-based): chr11:2,570,702, C deleted. VCF-style (leftmost placement, unchanged base first): chr11-2570701-AC-A. GRCh37 (hg19) VCF-style: chr11-2591931-AC-A.
Other names: c.552delC, p.Tyr184Terfs (NM_000218.2, NM_001406836.1); c.282delC, p.Tyr94Terfs (NM_001406837.1); c.171delC, p.Tyr57Terfs (NM_181798.2).
Identifiers: ClinVar variation 983022 (VCV000983022.26), dbSNP rs1848319796, ClinGen allele CA1139661773.